The following is an entry in ClinVar:

NM_001014987.2(LAT):c.694C>A (p.Leu232Met)

Gene: LAT (linker for activation of T cells; plus strand). Cytogenetic location: 16p11.2.
Variant type: single nucleotide variant.
Coding change: c.694C>A on transcript NM_001014987.2 (MANE Select); coding-DNA position 694, C replaced by A.
Protein change: p.Leu232Met; replaces leucine 232 with methionine.
Molecular consequence: missense variant.
Genome position (GRCh38, 1-based): chr16:28,990,004, C>A. VCF-style: chr16-28990004-C-A. GRCh37 (hg19) VCF-style: chr16-29001325-C-A.
Other names: c.691C>A, p.Leu231Met (NM_001014988.2); c.802C>A, p.Leu268Met (NM_001014989.2); c.781C>A, p.Leu261Met (NM_014387.4); short protein forms L268M, L232M, L231M, L261M.
Identifiers: ClinVar variation 2106015 (VCV002106015.4), dbSNP rs2506695628, ClinGen allele CA395444106.

ClinVar aggregate classification (germline): Uncertain significance (1 of 4 stars; one submission).

Submission:

Labcorp Genetics (formerly Invitae), Labcorp
Classification: Uncertain significance. Last evaluated: 2024-03-04. Review status: criteria provided, single submitter. Criteria: Invitae Variant Classification Sherloc (09022015). Collection method: clinical testing. Allele origin: germline.
Comment: This sequence change replaces leucine, which is neutral and non-polar, with methionine, which is neutral and non-polar, at codon 232 of the LAT protein (p.Leu232Met). This variant is not present in population databases (gnomAD no frequency). This variant has not been reported in the literature in individuals affected with LAT-related conditions. ClinVar contains an entry for this variant (Variation ID: 2106015). An algorithm developed to predict the effect of missense changes on protein structure and function (PolyPhen-2) suggests that this variant is likely to be disruptive. In summary, the available evidence is currently insufficient to determine the role of this variant in disease. Therefore, it has been classified as a Variant of Uncertain Significance.